The following is an entry in ClinVar:

NM_052947.4(ALPK2):c.2374T>C (p.Cys792Arg)

Gene: ALPK2 (alpha kinase 2; minus strand). Cytogenetic location: 18q21.31.
Variant type: single nucleotide variant.
Coding change: c.2374T>C on transcript NM_052947.4 (MANE Select); coding-DNA position 2374, T replaced by C.
Protein change: p.Cys792Arg; replaces cysteine 792 with arginine.
Molecular consequence: missense variant.
Genome position (GRCh38, 1-based): chr18:58,537,813, A>G on the plus strand (T>C on the coding strand, the complement: ALPK2 is on the minus strand). VCF-style: chr18-58537813-A-G. GRCh37 (hg19) VCF-style: chr18-56205045-A-G.
Other names: short protein forms C792R.
Identifiers: ClinVar variation 1790342 (VCV001790342.2), dbSNP rs1326870871, ClinGen allele CA402570913.

ClinVar aggregate classification (germline): Uncertain significance (1 of 4 stars; one submission).

Allele frequency attached by ClinVar (database versions not stated): TOPMed below 0.00001.
gnomAD v4.1: 1 of 1,613,986 alleles (0.000062%); no homozygotes.

Submission:

Ambry Genetics
Classification: Uncertain significance. Last evaluated: 2024-02-09. Review status: criteria provided, single submitter. Criteria: Ambry Variant Classification Scheme 2023. Collection method: clinical testing. Allele origin: germline.
Comment: The p.C792R variant (also known as c.2374T>C), located in coding exon 4 of the ALPK2 gene, results from a T to C substitution at nucleotide position 2374. The cysteine at codon 792 is replaced by arginine, an amino acid with highly dissimilar properties. This amino acid position is conserved. In addition, this alteration is predicted to be tolerated by in silico analysis. Since supporting evidence is limited at this time, the clinical significance of this alteration remains unclear.